The following is an entry in ClinVar:

NM_000481.4(AMT):c.887G>A (p.Arg296His)

Gene: AMT (aminomethyltransferase; minus strand). Cytogenetic location: 3p21.31.
Variant type: single nucleotide variant.
Coding change: c.887G>A on transcript NM_000481.4 (MANE Select); coding-DNA position 887, G replaced by A.
Protein change: p.Arg296His; replaces arginine 296 with histidine.
Molecular consequence: missense variant. On other transcripts: non-coding transcript variant (1).
Genome position (GRCh38, 1-based): chr3:49,417,964, C>T on the plus strand (G>A on the coding strand, the complement: AMT is on the minus strand). VCF-style: chr3-49417964-C-T. GRCh37 (hg19) VCF-style: chr3-49455397-C-T.
Other names: c.755G>A, p.Arg252His (NM_001164710.2); c.719G>A, p.Arg240His (NM_001164711.2); c.887G>A, p.Arg296His (NM_001164712.2); c.887G>A (NM_001164712.1); short protein forms R240H, R252H, R296H.
Identifiers: ClinVar variation 56239 (VCV000056239.43), dbSNP rs386833690, ClinGen allele CA263586.
Genomic context (GRCh38, chr3:49,417,964, plus strand): 5'-ACCCTGCCCTTCAGCTGGGGAACAATGACCTTGGCTCCAGGGAAGTCCATAGCAGCTCGG[C>T]GGCGCTTCCCTGGAGAATGACACATGAGACATAAGCCACAGCCCATAGAAGCCCTGGCCA-3'
Protein context (NP_000472.2, residues 286-306): GSLSWTLGKR[Arg296His]RAAMDFPGAK

ClinVar aggregate classification (germline): Pathogenic/Likely pathogenic. Review status: criteria provided, multiple submitters, no conflicts (2 of 4 stars). 10 submissions from 10 submitters: Pathogenic (4); Likely pathogenic (4). 2 of the submissions do not count toward it. Last evaluated 2024-08-09.

Conditions:
Glycine encephalopathy 1 (GCE1). Identifiers: MedGen CN376801, MONDO:0958179, OMIM 605899.
Glycine encephalopathy. Also called: Nonketotic hyperglycinemia; Non-ketotic hyperglycinemia. Identifiers: Orphanet 407, MedGen C0751748, MONDO:0011612, HP:0008288.

Allele frequency attached by ClinVar (database versions not stated): gnomAD exomes 0.00001 and 0.00003; TOPMed 0.00001; ExAC 0.00002.
gnomAD v4.1: 10 of 1,610,922 alleles (0.00062%); highest among the groups gnomAD compares: Admixed American, 0.0034%; no homozygotes.

Submissions (10):

Natera, Inc.
Classification: Likely pathogenic for Non-ketotic hyperglycinemia. Last evaluated: 2024-08-09. Review status: criteria provided, single submitter. Criteria: Natera Variant Classification Schema (03/2026). Collection method: clinical testing. Allele origin: germline.
Comment: The c.887G>A variant in AMT is a missense variant predicted to cause substitution of arginine to histidine at amino acid 296. This variant is rare in the general population with a frequency below the threshold expected for the associated phenotype(s). This variant has been observed in one or more individuals affected with the associated recessive disease, as either homozygous or compound heterozygous with a second variant (PMID: 27362913, 16450403). A different variant at the same position has been determined to be Pathogenic or Likely Pathogenic. Computational prediction algorithms indicate this variant is likely to affect gene or protein function. Given the available evidence, this variant is classified as Likely Pathogenic.

Athena Diagnostics
Classification: Pathogenic. Last evaluated: 2024-06-14. Review status: criteria provided, single submitter. Criteria: Athena Diagnostics Criteria. Collection method: clinical testing. Allele origin: unknown.
Comment: The frequency of this variant in the general population is consistent with pathogenicity. This variant segregates with disease in at least one family. In multiple individuals, this variant has been seen with a single recessive pathogenic variant in the same gene, suggesting this variant may also be pathogenic.

Labcorp Genetics (formerly Invitae), Labcorp
Classification: Pathogenic for Glycine encephalopathy. Last evaluated: 2024-03-04. Review status: criteria provided, single submitter. Criteria: Invitae Variant Classification Sherloc (09022015). Collection method: clinical testing. Allele origin: germline.
Comment: This sequence change replaces arginine, which is basic and polar, with histidine, which is basic and polar, at codon 296 of the AMT protein (p.Arg296His). This variant is present in population databases (rs386833690, gnomAD 0.009%). This missense change has been observed in individual(s) with glycine encephalopathy or non-ketotic hyperglycinemia (PMID: 12948742, 16450403, 26179960, 27362913). In at least one individual the data is consistent with being in trans (on the opposite chromosome) from a pathogenic variant. ClinVar contains an entry for this variant (Variation ID: 56239). Advanced modeling of protein sequence and biophysical properties (such as structural, functional, and spatial information, amino acid conservation, physicochemical variation, residue mobility, and thermodynamic stability) performed at Invitae indicates that this missense variant is expected to disrupt AMT protein function with a positive predictive value of 95%. This variant disrupts the p.Arg296 amino acid residue in AMT. Other variant(s) that disrupt this residue have been observed in individuals with AMT-related conditions (PMID: 12948742, 16450403, 26179960, 27362913, 28244183), which suggests that this may be a clinically significant amino acid residue. For these reasons, this variant has been classified as Pathogenic.

CeGaT Center for Human Genetics Tuebingen
Classification: Pathogenic. Last evaluated: 2024-02-01. Review status: criteria provided, single submitter. Criteria: CeGaT Center For Human Genetics Tuebingen Variant Classification Criteria Version 2. Collection method: clinical testing. Allele origin: germline. Affected: yes. Observed: 1 variant allele.
Comment: AMT: PM3:Very Strong, PM2

GeneDx
Classification: Likely pathogenic. Last evaluated: 2023-09-27. Review status: criteria provided, single submitter. Criteria: GeneDx Variant Classification Process June 2021. Collection method: clinical testing. Allele origin: germline. Affected: yes.
Comment: In silico analysis, which includes protein predictors and evolutionary conservation, supports a deleterious effect; This variant is associated with the following publications: (PMID: 26179960, 34630504, 16051266, 16450403, 12948742, 27362913)

Baylor Genetics
Classification: Pathogenic for Glycine encephalopathy 1. Last evaluated: 2023-06-17. Review status: criteria provided, single submitter. Criteria: ACMG Guidelines, 2015. Collection method: clinical testing. Allele origin: unknown.

Women's Health and Genetics/Laboratory Corporation of America, LabCorp
Classification: Likely pathogenic for Glycine encephalopathy. Last evaluated: 2022-05-21. Review status: criteria provided, single submitter. Criteria: LabCorp Variant Classification Summary - May 2015. Collection method: clinical testing. Allele origin: germline.
Comment: Variant summary: AMT c.887G>A (p.Arg296His) results in a non-conservative amino acid change in the encoded protein sequence. Five of five in-silico tools predict a damaging effect of the variant on protein function. The variant allele was found at a frequency of 3.3e-05 in 242288 control chromosomes. c.887G>A has been reported in the literature as homozygous and compound heterozygous genotypes in individuals affected with Glycine Encephalopathy (Non-Ketotic Hyperglycinemia) (example, Toone_2003, Coughlin_2017, Swanson_2015). These data indicate that the variant is likely to be associated with disease. To our knowledge, no experimental evidence demonstrating an impact on protein function has been reported. Three clinical diagnostic laboratories have submitted clinical-significance assessments for this variant to ClinVar after 2014 without evidence for independent evaluation. All laboratories classified the variant as pathogenic/likely pathogenic. Based on the evidence outlined above, the variant was classified as likely pathogenic.

Suma Genomics
Classification: Likely pathogenic for Glycine encephalopathy 1. Review status: criteria provided, single submitter. Criteria: ACMG Guidelines, 2015. Collection method: clinical testing. Allele origin: inherited. Inheritance: Autosomal recessive inheritance. Affected: yes.

Counsyl
Classification: Likely pathogenic for Glycine encephalopathy 1. Last evaluated: 2017-06-02. Review status: no assertion criteria provided. Collection method: clinical testing. Allele origin: unknown. Not counted in ClinVar's aggregate classification.

Juha Muilu Group; Institute for Molecular Medicine Finland (FIMM)
Classification: Likely pathogenic for Non-ketotic hyperglycinemia. Review status: no assertion criteria provided. Collection method: not provided. Allele origin: unknown. Not counted in ClinVar's aggregate classification.
Comment: FinDis database variant: This variant was not found or characterized by our laboratory, data were collected from public sources: see reference
ClinVar note: Converted during submission from probable-pathogenic to Likely pathogenic.

Literature cited by the submitters: PubMed 27362913 (cited by 5 submitters); PubMed 16450403 (cited by 4 submitters); PubMed 12948742 (cited by 4 submitters); PubMed 34630504 (cited by Athena Diagnostics); PubMed 26179960 (cited by 4 submitters); PubMed 28244183 (cited by Labcorp Genetics (formerly Invitae), Labcorp); PubMed 16051266 (cited by Counsyl).